The following is an entry in ClinVar:

NM_017654.4(SAMD9):c.1064A>G (p.Asn355Ser)

Gene: SAMD9 (sterile alpha motif domain containing 9; minus strand). Cytogenetic location: 7q21.2.
Variant type: single nucleotide variant.
Coding change: c.1064A>G on transcript NM_017654.4 (MANE Select); coding-DNA position 1064, A replaced by G.
Protein change: p.Asn355Ser; replaces asparagine 355 with serine.
Molecular consequence: missense variant.
Genome position (GRCh38, 1-based): chr7:93,105,034, T>C on the plus strand (A>G on the coding strand, the complement: SAMD9 is on the minus strand). VCF-style: chr7-93105034-T-C. GRCh37 (hg19) VCF-style: chr7-92734347-T-C.
Other names: c.1064A>G, p.Asn355Ser (NM_001193307.2); short protein forms N355S.
Identifiers: ClinVar variation 1312564 (VCV001312564.15), dbSNP rs759486201, ClinGen allele CA4343026.

ClinVar aggregate classification (germline): Conflicting classifications of pathogenicity. Review status: criteria provided, conflicting classifications (1 of 4 stars). 5 submissions from 5 submitters: Uncertain significance (4); Likely benign (1). Last evaluated 2026-02-01.

Conditions:
Inborn genetic diseases. Identifiers: MedGen C0950123, MeSH D030342.

Allele frequency attached by ClinVar (database versions not stated): gnomAD 0.00001; ExAC 0.00003; gnomAD exomes 0.00003; TOPMed 0.00003.

Submissions (5):

CeGaT Center for Human Genetics Tuebingen
Classification: Likely benign. Last evaluated: 2026-02-01. Review status: criteria provided, single submitter. Criteria: CeGaT Center For Human Genetics Tuebingen Variant Classification Criteria Version 2. Collection method: clinical testing. Allele origin: germline. Affected: yes. Observed: 1 variant allele.
Comment: SAMD9: BP4

Labcorp Genetics (formerly Invitae), Labcorp
Classification: Uncertain significance. Last evaluated: 2025-12-15. Review status: criteria provided, single submitter. Criteria: Invitae Variant Classification Sherloc (09022015). Collection method: clinical testing. Allele origin: germline.
Comment: This sequence change replaces asparagine, which is neutral and polar, with serine, which is neutral and polar, at codon 355 of the SAMD9 protein (p.Asn355Ser). This variant is present in population databases (rs759486201, gnomAD 0.02%). This variant has not been reported in the literature in individuals affected with SAMD9-related conditions. ClinVar contains an entry for this variant (Variation ID: 1312564). Invitae Evidence Modeling of protein sequence and biophysical properties (such as structural, functional, and spatial information, amino acid conservation, physicochemical variation, residue mobility, and thermodynamic stability) indicates that this missense variant is not expected to disrupt SAMD9 protein function with a negative predictive value of 95%. In summary, the available evidence is currently insufficient to determine the role of this variant in disease. Therefore, it has been classified as a Variant of Uncertain Significance.

Ambry Genetics
Classification: Uncertain significance for Inborn genetic diseases. Last evaluated: 2024-11-30. Review status: criteria provided, single submitter. Criteria: Ambry Variant Classification Scheme 2023. Collection method: clinical testing. Allele origin: germline.
Comment: The p.N355S variant (also known as c.1064A>G), located in coding exon 1 of the SAMD9 gene, results from an A to G substitution at nucleotide position 1064. The asparagine at codon 355 is replaced by serine, an amino acid with highly similar properties. This amino acid position is conserved. In addition, this alteration is predicted to be tolerated by in silico analysis. Based on the available evidence, the clinical significance of this variant remains unclear.

GeneDx
Classification: Uncertain significance. Last evaluated: 2020-03-02. Review status: criteria provided, single submitter. Criteria: GeneDx Variant Classification Process June 2021. Collection method: clinical testing. Allele origin: germline. Affected: yes.
Comment: In silico analysis supports that this missense variant does not alter protein structure/function; Has not been previously published as pathogenic or benign to our knowledge

Genetic Services Laboratory, University of Chicago
Classification: Uncertain significance. Last evaluated: 2019-06-10. Review status: criteria provided, single submitter. Criteria: ACMG Guidelines, 2015. Collection method: clinical testing. Allele origin: germline. Affected: no.